The following is an entry in ClinVar:

ClinVar aggregate classification (germline): Likely pathogenic (1 of 4 stars; one submission).

Conditions:
Aortic valve disease 1 (AOVD1). Identifiers: MedGen C3887892, MONDO:0024523, OMIM 109730.
Adams-Oliver syndrome 5 (AOS5). Identifiers: Orphanet 974, MedGen C4014970, MONDO:0014459, OMIM 616028.

Submission:

Juno Genomics, Hangzhou Juno Genomics, Inc
Classification: Likely pathogenic for Adams-Oliver syndrome 5; Aortic valve disease 1. Review status: criteria provided, single submitter. Criteria: ACMG Guidelines, 2015. Collection method: clinical testing. Allele origin: germline. Affected: yes.
Comment: Absent from controls (or at extremely low frequency if recessive) in Genome Aggregation Database.;Multiple lines of computational evidence support a deleterious effect on the gene or gene product.;Missense variant in a gene that has a low rate of benign missense variation.

NM_017617.5(NOTCH1):c.848G>T (p.Cys283Phe)

Gene: NOTCH1 (notch receptor 1; minus strand). Cytogenetic location: 9q34.3.
Variant type: single nucleotide variant.
Coding change: c.848G>T on transcript NM_017617.5 (MANE Select); coding-DNA position 848, G replaced by T.
Protein change: p.Cys283Phe; replaces cysteine 283 with phenylalanine.
Molecular consequence: missense variant.
Genome position (GRCh38, 1-based): chr9:136,519,460, C>A on the plus strand (G>T on the coding strand, the complement: NOTCH1 is on the minus strand). VCF-style: chr9-136519460-C-A. GRCh37 (hg19) VCF-style: chr9-139413912-C-A.
Other names: short protein forms C283F.
Identifiers: ClinVar variation 5018635 (VCV005018635.1).